The following is an entry in ClinVar:

NM_003140.3(SRY):c.179T>C (p.Val60Ala)

Gene: SRY (sex determining region Y; minus strand). Cytogenetic location: Yp11.2.
Variant type: single nucleotide variant.
Coding change: c.179T>C on transcript NM_003140.3 (MANE Select); coding-DNA position 179, T replaced by C.
Protein change: p.Val60Ala; replaces valine 60 with alanine.
Molecular consequence: missense variant.
Genome position (GRCh38, 1-based): chrY:2,787,425, A>G on the plus strand (T>C on the coding strand, the complement: SRY is on the minus strand). VCF-style: chrY-2787425-A-G. GRCh37 (hg19) VCF-style: chrY-2655466-A-G.
Other names: short protein forms V60A.
Identifiers: ClinVar variation 3338847 (VCV003338847.1).

ClinVar aggregate classification (germline): Pathogenic (1 of 4 stars; one submission).

Submission:

GeneDx
Classification: Pathogenic. Last evaluated: 2023-05-02. Review status: criteria provided, single submitter. Criteria: GeneDx Variant Classification Process June 2021. Collection method: clinical testing. Allele origin: germline. Affected: yes.
Comment: Published functional studies demonstrate a damaging effect, including impairment of protein localization and DNA binding (Chen et al., 2013); Missense variants in this gene are often considered pathogenic (HGMD); In silico analysis supports that this missense variant has a deleterious effect on protein structure/function; This variant is associated with the following publications: (PMID: 24003159, 7776083)